The following is an entry in ClinVar:

NM_145059.3(FCSK):c.152A>G (p.Glu51Gly)

Gene: FCSK (fucose kinase; plus strand). Cytogenetic location: 16q22.1.
Variant type: single nucleotide variant.
Coding change: c.152A>G on transcript NM_145059.3 (MANE Select); coding-DNA position 152, A replaced by G.
Protein change: p.Glu51Gly; replaces glutamic acid 51 with glycine.
Molecular consequence: missense variant.
Genome position (GRCh38, 1-based): chr16:70,463,692, A>G. VCF-style: chr16-70463692-A-G. GRCh37 (hg19) VCF-style: chr16-70497595-A-G.
Other names: short protein forms E51G.
Identifiers: ClinVar variation 3607027 (VCV003607027.2).

ClinVar aggregate classification (germline): Uncertain significance (1 of 4 stars; one submission).

Submission:

Labcorp Genetics (formerly Invitae), Labcorp
Classification: Uncertain significance. Last evaluated: 2024-10-08. Review status: criteria provided, single submitter. Criteria: Invitae Variant Classification Sherloc (09022015). Collection method: clinical testing. Allele origin: germline.
Comment: This sequence change replaces glutamic acid, which is acidic and polar, with glycine, which is neutral and non-polar, at codon 51 of the FUK protein (p.Glu51Gly). This variant is present in population databases (rs371950142, gnomAD 0.006%). This variant has not been reported in the literature in individuals affected with FUK-related conditions. An algorithm developed to predict the effect of missense changes on protein structure and function (PolyPhen-2) suggests that this variant is likely to be tolerated. In summary, the available evidence is currently insufficient to determine the role of this variant in disease. Therefore, it has been classified as a Variant of Uncertain Significance.